The following is an entry in ClinVar:

ClinVar aggregate classification (germline): Benign. Review status: criteria provided, multiple submitters, no conflicts (2 of 4 stars). 4 submissions from 4 submitters: Benign (4). Last evaluated 2024-01-24.

Conditions:
Granulomatous disease, chronic, autosomal recessive, cytochrome b-negative. Also called: CGD DUE TO DEFICIENCY OF THE ALPHA SUBUNIT OF CYTOCHROME b; CGD, AUTOSOMAL RECESSIVE CYTOCHROME b-NEGATIVE; CYBA DEFICIENCY; Chronic granulomatous disease, autosomal, due to deficiency of CYBA; GRANULOMATOUS DISEASE, CHRONIC, AUTOSOMAL RECESSIVE, 4. Identifiers: Orphanet 379, MedGen C1856255, MONDO:0009308, OMIM 233690.

Allele frequency attached by ClinVar (database versions not stated): ESP Exome Variant Server 0.61001; TOPMed 0.63227; 1000 Genomes Project 30x 0.63710; gnomAD 0.63977 and 0.64224; 1000 Genomes Project 0.64097; gnomAD exomes 0.66797 and 0.68002; ExAC 0.67302.

Submissions (4):

Unidad de Genómica Garrahan, Hospital de Pediatría Garrahan
Classification: Benign. Last evaluated: 2024-01-24. Review status: criteria provided, single submitter. Criteria: ACMG Guidelines, 2015. Collection method: clinical testing. Allele origin: germline. Affected: no. Observed: 86 variant alleles.
Comment: This variant is classified as Benign based on local population frequency. This variant was detected in 91% of patients studied by a panel of primary immunodeficiencies. Number of patients: 86. Only high quality variants are reported.

Genome-Nilou Lab
Classification: Benign for Granulomatous disease, chronic, autosomal recessive, cytochrome b-negative. Last evaluated: 2021-06-10. Review status: criteria provided, single submitter. Criteria: ACMG Guidelines, 2015. Collection method: clinical testing. Allele origin: germline. Affected: no.

GeneDx
Classification: Benign. Last evaluated: 2015-03-03. Review status: criteria provided, single submitter. Criteria: GeneDx Variant Classification Process June 2021. Collection method: clinical testing. Allele origin: germline. Affected: yes.

Breakthrough Genomics
Classification: Benign. Review status: criteria provided, single submitter. Criteria: ACMG Guidelines, 2015. Collection method: not provided. Allele origin: germline. Inheritance: Autosomal recessive inheritance. Affected: yes.

NM_000101.4(CYBA):c.203+36C>T

Gene: CYBA (cytochrome b-245 alpha chain; minus strand). Cytogenetic location: 16q24.2.
Variant type: single nucleotide variant.
Coding change: c.203+36C>T on transcript NM_000101.4 (MANE Select); 36 bases into the intron after coding-DNA position 203, C replaced by T.
Molecular consequence: intron variant.
Genome position (GRCh38, 1-based): chr16:88,647,065, G>A on the plus strand (C>T on the coding strand, the complement: CYBA is on the minus strand). VCF-style: chr16-88647065-G-A. GRCh37 (hg19) VCF-style: chr16-88713473-G-A.
Identifiers: ClinVar variation 1172931 (VCV001172931.7), dbSNP rs4782308, ClinGen allele CA8228389.
Genomic context (GRCh38, chr16:88,647,065, plus strand): 5'-GAGCCTCCAAGTGAGAAACCAAGCTCCACCCAACCCTGTGAGCCCTGCCTGGGCCCCGCA[G>A]CCCCCGGAGAGACCCCAGAGCAGGAGGAGACTCACCAGCGCTCCATGGTGGAGCCCTTCT-3'